The following is an entry in ClinVar:

NM_000264.5(PTCH1):c.1615G>C (p.Glu539Gln)

Gene: PTCH1 (patched 1; minus strand). Cytogenetic location: 9q22.32.
Variant type: single nucleotide variant.
Coding change: c.1615G>C on transcript NM_000264.5 (MANE Select); coding-DNA position 1615, G replaced by C.
Protein change: p.Glu539Gln; replaces glutamic acid 539 with glutamine.
Molecular consequence: missense variant. On other transcripts: non-coding transcript variant (1).
Genome position (GRCh38, 1-based): chr9:95,476,147, C>G on the plus strand (G>C on the coding strand, the complement: PTCH1 is on the minus strand). VCF-style: chr9-95476147-C-G. GRCh37 (hg19) VCF-style: chr9-98238429-C-G.
Other names: c.1417G>C, p.Glu473Gln (NM_001083602.3); c.1612G>C, p.Glu538Gln (NM_001083603.3); c.1162G>C, p.Glu388Gln (NM_001083604.3, NM_001083605.3, NM_001083606.3 and 1 more transcripts); c.1459G>C, p.Glu487Gln (NM_001354918.2); c.1417G>C (NM_001083602.1); short protein forms E388Q, E473Q, E487Q, E539Q, E538Q.
Identifiers: ClinVar variation 1363351 (VCV001363351.9), dbSNP rs2118260596, ClinGen allele CA374118102.

ClinVar aggregate classification (germline): Uncertain significance. Review status: criteria provided, multiple submitters, no conflicts (2 of 4 stars). 2 submissions from 2 submitters: Uncertain significance (2). Last evaluated 2026-07-06.

Conditions:
Hereditary cancer-predisposing syndrome. Also called: Hereditary Cancer Syndrome; Neoplastic Syndromes, Hereditary; Hereditary neoplastic syndrome; Tumor predisposition. Identifiers: Orphanet 140162, MedGen C0027672, MeSH D009386, MONDO:0015356.
Gorlin syndrome. Also called: Nevoid Basal Cell Carcinoma Syndrome; Basal cell nevus syndrome. Identifiers: Orphanet 377, MedGen C0004779, MONDO:0007187.

Submissions (2):

Ambry Genetics
Classification: Uncertain significance for Hereditary cancer-predisposing syndrome. Last evaluated: 2026-07-06. Review status: criteria provided, single submitter. Criteria: Ambry Variant Classification Scheme 2023. Collection method: clinical testing. Allele origin: germline.
Comment: The p.E473Q variant (also known as c.1417G>C), located in coding exon 12 of the PTCH1 gene, results from a G to C substitution at nucleotide position 1417. The glutamic acid at codon 473 is replaced by glutamine, an amino acid with highly similar properties. This amino acid position is conserved. In addition, the in silico prediction for this alteration is inconclusive. Based on the available evidence, the clinical significance of this variant remains unclear.

Labcorp Genetics (formerly Invitae), Labcorp
Classification: Uncertain significance for Gorlin syndrome. Last evaluated: 2021-06-23. Review status: criteria provided, single submitter. Criteria: Invitae Variant Classification Sherloc (09022015). Collection method: clinical testing. Allele origin: germline.
Comment: In summary, the available evidence is currently insufficient to determine the role of this variant in disease. Therefore, it has been classified as a Variant of Uncertain Significance. Advanced modeling of protein sequence and biophysical properties (such as structural, functional, and spatial information, amino acid conservation, physicochemical variation, residue mobility, and thermodynamic stability) performed at Invitae indicates that this missense variant is not expected to disrupt PTCH1 protein function. This variant has not been reported in the literature in individuals with PTCH1-related conditions. This variant is not present in population databases (ExAC no frequency). This sequence change replaces glutamic acid with glutamine at codon 539 of the PTCH1 protein (p.Glu539Gln). The glutamic acid residue is moderately conserved and there is a small physicochemical difference between glutamic acid and glutamine.